The following is an entry in ClinVar:

NM_003000.3(SDHB):c.91A>G (p.Thr31Ala)

Gene: SDHB (succinate dehydrogenase complex iron sulfur subunit B; minus strand). Cytogenetic location: 1p36.13.
Variant type: single nucleotide variant.
Coding change: c.91A>G on transcript NM_003000.3 (MANE Select); coding-DNA position 91, A replaced by G.
Protein change: p.Thr31Ala; replaces threonine 31 with alanine.
Molecular consequence: missense variant.
Genome position (GRCh38, 1-based): chr1:17,044,870, T>C on the plus strand (A>G on the coding strand, the complement: SDHB is on the minus strand). VCF-style: chr1-17044870-T-C. GRCh37 (hg19) VCF-style: chr1-17371365-T-C.
Other names: c.91A>G, p.Thr31Ala (NM_001407361.1); short protein forms T31A.
Identifiers: ClinVar variation 1719957 (VCV001719957.6), dbSNP rs2525060053, ClinGen allele CA338228356.

ClinVar aggregate classification (germline): Uncertain significance (1 of 4 stars; one submission).

Conditions:
Pheochromocytoma/paraganglioma syndrome 4. Also called: CAROTID BODY TUMORS AND MULTIPLE EXTRAADRENAL PHEOCHROMOCYTOMAS; PARAGANGLIOMA, FAMILIAL MALIGNANT; PARAGANGLIOMAS, HEREDITARY EXTRAADRENAL; PHEOCHROMOCYTOMA, FAMILIAL EXTRAADRENAL; SDHB-Related Hereditary Paraganglioma-Pheochromocytoma Syndrome; SDHB-Related Hereditary Paraganglioma-Pheochromocytoma Syndrome (Paragangliomas 4). Identifiers: Orphanet 29072, MedGen C1861848, MONDO:0007273, OMIM 115310.
Pheochromocytoma. Also called: MAX-Related Hereditary Paraganglioma-Pheochromocytoma Syndrome. Identifiers: Orphanet 29072, MedGen C0031511, MONDO:0008233, OMIM 171300, HP:0002666.
Gastrointestinal stromal tumor. Also called: Gastrointestinal stroma tumor; Gastrointestinal stromal tumor, somatic. Identifiers: Orphanet 44890, MedGen C0238198, MeSH D046152, MONDO:0011719, OMIM 606764, HP:0100723.

Submission:

Labcorp Genetics (formerly Invitae), Labcorp
Classification: Uncertain significance for Gastrointestinal stromal tumor; Pheochromocytoma/paraganglioma syndrome 4; Pheochromocytoma. Last evaluated: 2022-09-21. Review status: criteria provided, single submitter. Criteria: Invitae Variant Classification Sherloc (09022015). Collection method: clinical testing. Allele origin: germline.
Comment: This variant has not been reported in the literature in individuals affected with SDHB-related conditions. This variant is not present in population databases (gnomAD no frequency). This sequence change replaces threonine, which is neutral and polar, with alanine, which is neutral and non-polar, at codon 31 of the SDHB protein (p.Thr31Ala). Advanced modeling of protein sequence and biophysical properties (such as structural, functional, and spatial information, amino acid conservation, physicochemical variation, residue mobility, and thermodynamic stability) performed at Invitae indicates that this missense variant is not expected to disrupt SDHB protein function. In summary, the available evidence is currently insufficient to determine the role of this variant in disease. Therefore, it has been classified as a Variant of Uncertain Significance.